The following is an entry in ClinVar:

ClinVar aggregate classification (germline): Uncertain significance (1 of 4 stars; one submission).

Allele frequency attached by ClinVar (database versions not stated): ExAC 0.00002; TOPMed 0.00004; gnomAD 0.00005; gnomAD exomes 0.00014.
gnomAD v4.1: 200 of 1,613,998 alleles (0.012%); highest among the groups gnomAD compares: Non-Finnish European, 0.017%; no homozygotes.

Submission:

Labcorp Genetics (formerly Invitae), Labcorp
Classification: Uncertain significance. Last evaluated: 2022-02-21. Review status: criteria provided, single submitter. Criteria: Invitae Variant Classification Sherloc (09022015). Collection method: clinical testing. Allele origin: germline.
Comment: This variant has not been reported in the literature in individuals affected with TCF20-related conditions. This variant is present in population databases (rs772845569, gnomAD 0.006%). This sequence change replaces threonine, which is neutral and polar, with serine, which is neutral and polar, at codon 461 of the TCF20 protein (p.Thr461Ser). Algorithms developed to predict the effect of missense changes on protein structure and function output the following: SIFT: "Tolerated"; PolyPhen-2: "Benign"; Align-GVGD: "Class C0". The serine amino acid residue is found in multiple mammalian species, which suggests that this missense change does not adversely affect protein function. In summary, the available evidence is currently insufficient to determine the role of this variant in disease. Therefore, it has been classified as a Variant of Uncertain Significance.

NM_001378418.1(TCF20):c.1381A>T (p.Thr461Ser)

Gene: TCF20 (transcription factor 20; minus strand). Cytogenetic location: 22q13.2.
Variant type: single nucleotide variant.
Coding change: c.1381A>T on transcript NM_001378418.1 (MANE Select); coding-DNA position 1381, A replaced by T.
Protein change: p.Thr461Ser; replaces threonine 461 with serine.
Molecular consequence: missense variant.
Genome position (GRCh38, 1-based): chr22:42,213,925, T>A on the plus strand (A>T on the coding strand, the complement: TCF20 is on the minus strand). VCF-style: chr22-42213925-T-A. GRCh37 (hg19) VCF-style: chr22-42609931-T-A.
Other names: c.1381A>T, p.Thr461Ser (NM_005650.4, NM_181492.3); short protein forms T461S.
Identifiers: ClinVar variation 2419914 (VCV002419914.6), dbSNP rs772845569, ClinGen allele CA10267195.
Genomic context (GRCh38, chr22:42,213,925, plus strand): 5'-GAGTCAGGGCATCAGAAAGTAACATGTGCTGGACAGTGTTAGGAAGATTGGCCACTTGAG[T>A]ACTCAGAGCACTCAAACTACTCAACCCAGGATCTGTCAGTCGCTTTTCTGGTACCCCTTC-3'
Protein context (NP_001365347.1, residues 451-471): PGLSSLSALS[Thr461Ser]QVANLPNTVQ